The following is an entry in ClinVar:

ClinVar aggregate classification (germline): Uncertain significance (1 of 4 stars; one submission).

Submission:

Labcorp Genetics (formerly Invitae), Labcorp
Classification: Uncertain significance. Last evaluated: 2025-09-09. Review status: criteria provided, single submitter. Criteria: Invitae Variant Classification Sherloc (09022015). Collection method: clinical testing. Allele origin: germline.
Comment: This sequence change falls in intron 5 of the NIN gene. It does not directly change the encoded amino acid sequence of the NIN protein. It affects a nucleotide within the consensus splice site. This variant is not present in population databases (gnomAD no frequency). This variant has not been reported in the literature in individuals affected with NIN-related conditions. Variants that disrupt the consensus splice site are a relatively common cause of aberrant splicing (PMID: 17576681, 9536098). Algorithms developed to predict the effect of sequence changes on RNA splicing suggest that this variant is not likely to affect RNA splicing. In summary, the available evidence is currently insufficient to determine the role of this variant in disease. Therefore, it has been classified as a Variant of Uncertain Significance.

Literature cited by the submitters: PubMed 17576681; PubMed 9536098.

NM_020921.4(NIN):c.436-3T>C

Gene: NIN (ninein; minus strand). Cytogenetic location: 14q22.1.
Variant type: single nucleotide variant.
Coding change: c.436-3T>C on transcript NM_020921.4 (MANE Select); 3 bases into the intron before coding-DNA position 436, T replaced by C.
Molecular consequence: intron variant.
Genome position (GRCh38, 1-based): chr14:50,778,807, A>G on the plus strand (T>C on the coding strand, the complement: NIN is on the minus strand). VCF-style: chr14-50778807-A-G. GRCh37 (hg19) VCF-style: chr14-51245525-A-G.
Other names: c.436-3T>C (NM_016350.5, NM_182946.2, NM_182944.3).
Identifiers: ClinVar variation 4726563 (VCV004726563.1).
Genomic context (GRCh38, chr14:50,778,807, plus strand): 5'-GACACACTCGGCTCTTACCTTCCGCTTCATACTCCTCACTGCGTTGCGTCTTCCAGTGCT[A>G]GAGAAGGCAAGAGAAGATTAGTGTGCTTTAGAACTTATTCAGAAAGAACTATCCTAGCTT-3'